The following is an entry in ClinVar:

NM_024741.3(ZNF408):c.731G>A (p.Arg244Gln)

Gene: ZNF408 (zinc finger protein 408; plus strand). Cytogenetic location: 11p11.2.
Variant type: single nucleotide variant.
Coding change: c.731G>A on transcript NM_024741.3 (MANE Select); coding-DNA position 731, G replaced by A.
Protein change: p.Arg244Gln; replaces arginine 244 with glutamine.
Molecular consequence: missense variant.
Genome position (GRCh38, 1-based): chr11:46,704,431, G>A. VCF-style: chr11-46704431-G-A. GRCh37 (hg19) VCF-style: chr11-46725981-G-A.
Other names: c.707G>A, p.Arg236Gln (NM_001184751.2); short protein forms R236Q, R244Q.
Identifiers: ClinVar variation 1018030 (VCV001018030.8), dbSNP rs766111417, ClinGen allele CA5966421.

ClinVar aggregate classification (germline): Uncertain significance (1 of 4 stars; one submission).

Allele frequency attached by ClinVar (database versions not stated): ExAC 0.00001; gnomAD 0.00001; TOPMed 0.00001.
gnomAD v4.1: 9 of 1,614,040 alleles (0.00056%); highest among the groups gnomAD compares: East Asian, 0.0089%; no homozygotes.

Submission:

Labcorp Genetics (formerly Invitae), Labcorp
Classification: Uncertain significance. Last evaluated: 2022-11-10. Review status: criteria provided, single submitter. Criteria: Invitae Variant Classification Sherloc (09022015). Collection method: clinical testing. Allele origin: germline.
Comment: In summary, the available evidence is currently insufficient to determine the role of this variant in disease. Therefore, it has been classified as a Variant of Uncertain Significance. Algorithms developed to predict the effect of missense changes on protein structure and function output the following: SIFT: "Tolerated"; PolyPhen-2: "Benign"; Align-GVGD: "Class C0". The glutamine amino acid residue is found in multiple mammalian species, which suggests that this missense change does not adversely affect protein function. ClinVar contains an entry for this variant (Variation ID: 1018030). This variant has not been reported in the literature in individuals affected with ZNF408-related conditions. This variant is present in population databases (rs766111417, gnomAD 0.02%). This sequence change replaces arginine, which is basic and polar, with glutamine, which is neutral and polar, at codon 244 of the ZNF408 protein (p.Arg244Gln).